The following is an entry in ClinVar:

NM_001556.3(IKBKB):c.1201A>C (p.Ile401Leu)

Gene: IKBKB (inhibitor of nuclear factor kappa B kinase subunit beta; plus strand). Cytogenetic location: 8p11.21.
Variant type: single nucleotide variant.
Coding change: c.1201A>C on transcript NM_001556.3 (MANE Select); coding-DNA position 1201, A replaced by C.
Protein change: p.Ile401Leu; replaces isoleucine 401 with leucine.
Molecular consequence: missense variant. On other transcripts: non-coding transcript variant (3).
Genome position (GRCh38, 1-based): chr8:42,317,732, A>C. VCF-style: chr8-42317732-A-C. GRCh37 (hg19) VCF-style: chr8-42175250-A-C.
Other names: c.1009A>C, p.Ile337Leu (NM_001190720.3); c.1024A>C, p.Ile342Leu (NM_001242778.2); short protein forms I337L, I342L, I401L.
Identifiers: ClinVar variation 5001068 (VCV005001068.1).

ClinVar aggregate classification (germline): Uncertain significance (1 of 4 stars; one submission).

Conditions:
IKBKB-related disorder. Also called: IKBKB-related condition.

Submission:

PreventionGenetics, part of Exact Sciences
Classification: Uncertain significance for IKBKB-related condition. Last evaluated: 2025-11-13. Review status: criteria provided, single submitter. Criteria: ACMG Guidelines, 2015. Collection method: clinical testing. Allele origin: germline.
Comment: The IKBKB c.1201A>C variant is predicted to result in the amino acid substitution p.Ile401Leu. To our knowledge, this variant has not been reported in the literature or in a large population database (gnomAD), indicating this variant is rare. At this time, the clinical significance of this variant is uncertain due to the absence of conclusive functional and genetic evidence.